The following is an entry in ClinVar:

ClinVar aggregate classification (germline): Uncertain significance (1 of 4 stars; one submission).

Allele frequency attached by ClinVar (database versions not stated): ExAC 0.00001; gnomAD exomes below 0.00001.
gnomAD v4.1: 1 of 1,614,152 alleles (0.000062%); highest among the groups gnomAD compares: Admixed American, 0.0017%; no homozygotes.

Submission:

GeneDx
Classification: Uncertain significance. Last evaluated: 2023-07-03. Review status: criteria provided, single submitter. Criteria: GeneDx Variant Classification Process June 2021. Collection method: clinical testing. Allele origin: germline. Affected: yes.
Comment: Not observed at significant frequency in large population cohorts (gnomAD); In silico analysis supports that this missense variant has a deleterious effect on protein structure/function; Has not been previously published as pathogenic or benign to our knowledge

NM_001253852.3(AP4B1):c.239C>T (p.Pro80Leu)

Gene: AP4B1 (adaptor related protein complex 4 subunit beta 1; minus strand). Cytogenetic location: 1p13.2.
Variant type: single nucleotide variant.
Coding change: c.239C>T on transcript NM_001253852.3 (MANE Select); coding-DNA position 239, C replaced by T.
Protein change: p.Pro80Leu; replaces proline 80 with leucine.
Molecular consequence: missense variant. On other transcripts: intron variant (2).
Genome position (GRCh38, 1-based): chr1:113,902,737, G>A on the plus strand (C>T on the coding strand, the complement: AP4B1 is on the minus strand). VCF-style: chr1-113902737-G-A. GRCh37 (hg19) VCF-style: chr1-114445359-G-A.
Other names: c.239C>T, p.Pro80Leu (NM_006594.5); c.-56-3C>T (NM_001253853.3); c.113+1868C>T (NM_001308312.2); short protein forms P80L.
Identifiers: ClinVar variation 1310613 (VCV001310613.3), dbSNP rs772917275, ClinGen allele CA1016158.